The following is an entry in ClinVar:

NM_000535.7(PMS2):c.1114G>T (p.Val372Phe)

Gene: PMS2 (PMS1 homolog 2, mismatch repair system component; minus strand). Cytogenetic location: 7p22.1.
Variant type: single nucleotide variant.
Coding change: c.1114G>T on transcript NM_000535.7 (MANE Select); coding-DNA position 1114, G replaced by T.
Protein change: p.Val372Phe; replaces valine 372 with phenylalanine.
Molecular consequence: missense variant. On other transcripts: non-coding transcript variant (1), intron variant (10).
Genome position (GRCh38, 1-based): chr7:5,989,830, C>A on the plus strand (G>T on the coding strand, the complement: PMS2 is on the minus strand). VCF-style: chr7-5989830-C-A. GRCh37 (hg19) VCF-style: chr7-6029461-C-A.
Other names: c.709G>T, p.Val237Phe (NM_001018040.1, NM_001322003.2, NM_001322004.2 and 17 more transcripts); c.796G>T, p.Val266Phe (NM_001322007.2, NM_001322008.2, NM_001406883.1 and 2 more transcripts); c.181G>T, p.Val61Phe (NM_001322011.2, NM_001322012.2); c.541G>T, p.Val181Phe (NM_001322013.2, NM_001406909.1); c.1114G>T, p.Val372Phe (NM_001322014.2, NM_001406871.1, NM_001406872.1); c.805G>T, p.Val269Phe (NM_001322015.2, NM_001406881.1, NM_001406882.1 and 5 more transcripts); c.1300G>T, p.Val434Phe (NM_001406866.1); c.1138G>T, p.Val380Phe (NM_001406868.1); and 13 more; short protein forms V181F, V237F, V250F, V269F, V115F, V201F, V380F, V61F.
Identifiers: ClinVar variation 2724814 (VCV002724814.3), dbSNP rs1554298669, ClinGen allele CA366742776.

ClinVar aggregate classification (germline): Uncertain significance (1 of 4 stars; one submission).

Conditions:
Hereditary nonpolyposis colorectal neoplasms. Identifiers: MedGen C0009405, MeSH D003123.

Submission:

Labcorp Genetics (formerly Invitae), Labcorp
Classification: Uncertain significance for Hereditary nonpolyposis colorectal neoplasms. Last evaluated: 2023-06-22. Review status: criteria provided, single submitter. Criteria: Invitae Variant Classification Sherloc (09022015). Collection method: clinical testing. Allele origin: germline.
Comment: This sequence change replaces valine, which is neutral and non-polar, with phenylalanine, which is neutral and non-polar, at codon 372 of the PMS2 protein (p.Val372Phe). This variant is not present in population databases (gnomAD no frequency). In summary, the available evidence is currently insufficient to determine the role of this variant in disease. Therefore, it has been classified as a Variant of Uncertain Significance. Advanced modeling of protein sequence and biophysical properties (such as structural, functional, and spatial information, amino acid conservation, physicochemical variation, residue mobility, and thermodynamic stability) performed at Invitae indicates that this missense variant is expected to disrupt PMS2 protein function. This variant has not been reported in the literature in individuals affected with PMS2-related conditions.